The following is an entry in ClinVar:

ClinVar aggregate classification (germline): Likely pathogenic (1 of 4 stars; one submission).

Conditions:
Usher syndrome type 1D (USH1D). Also called: USHER SYNDROME, TYPE ID. Identifiers: Orphanet 231169, Orphanet 886, MedGen C1832845, MONDO:0010984, OMIM 601067.

Submission:

Myriad Genetics, Inc.
Classification: Likely pathogenic for Usher syndrome type 1D. Last evaluated: 2021-12-17. Review status: criteria provided, single submitter. Criteria: Myriad Women's Health Autosomal Recessive and X-Linked Classification Criteria (2021). Collection method: clinical testing. Allele origin: unknown.
Comment: NM_033056.3(PCDH15):c.3152_3153insC(K1051Nfs*14) is expected to be pathogenic in the context of PCDH15-related disorders. This variant is predicted to lead to an abnormal or absent protein product due to the creation of a premature termination codon in PCDH15, a gene where loss-of-function variants are known to be pathogenic. Please note: this variant was assessed in the context of healthy population screening.

NM_001384140.1(PCDH15):c.3152_3153insC (p.Lys1051fs)

Gene: PCDH15 (protocadherin related 15; minus strand). Cytogenetic location: 10q21.1.
Variant type: Insertion.
Coding change: c.3152_3153insC on transcript NM_001384140.1 (MANE Select); coding-DNA positions 3152 to 3153, C inserted.
Protein change: p.Lys1051fs; shifts the reading frame from lysine 1051.
Molecular consequence: frameshift variant.
Genome position: GRCh38 VCF-style: chr10-53940945-T-TG. GRCh37 (hg19) VCF-style: chr10-55700705-T-TG.
Other names: c.3167_3168insC, p.Lys1056fs (NM_001142763.2, NM_001142771.2); c.3152_3153insC, p.Lys1051fs (NM_001142764.2, NM_001142766.2, NM_001142770.3 and 4 more transcripts); c.2939_2940insC, p.Lys980fs (NM_001142765.2); c.3041_3042insC, p.Lys1014fs (NM_001142767.2); c.3086_3087insC, p.Lys1029fs (NM_001142768.2, NM_001142773.2, NM_001354404.2); c.3188_3189insC, p.Lys1063Asnfs (NM_001142769.4); c.3173_3174insC, p.Lys1058fs (NM_001354411.2); short protein forms K1014fs, K1029fs, K1051fs, K1056fs, K1058fs, K1063fs, K980fs.
Identifiers: ClinVar variation 1726417 (VCV001726417.2), dbSNP rs2494644980, ClinGen allele CA2580081606.